The following is an entry in ClinVar:

NM_004036.5(ADCY3):c.253G>A (p.Ala85Thr)

Gene: ADCY3 (adenylate cyclase 3; minus strand). Cytogenetic location: 2p23.3.
Variant type: single nucleotide variant.
Coding change: c.253G>A on transcript NM_004036.5 (MANE Select); coding-DNA position 253, G replaced by A.
Protein change: p.Ala85Thr; replaces alanine 85 with threonine.
Molecular consequence: missense variant.
Genome position (GRCh38, 1-based): chr2:24,918,735, C>T on the plus strand (G>A on the coding strand, the complement: ADCY3 is on the minus strand). VCF-style: chr2-24918735-C-T. GRCh37 (hg19) VCF-style: chr2-25141604-C-T.
Other names: c.253G>A, p.Ala85Thr (NM_001320613.2, NM_001377128.1, NM_001377129.1 and 2 more transcripts); short protein forms A85T.
Identifiers: ClinVar variation 3058061 (VCV003058061.2), dbSNP rs552568701, ClinGen allele CA1554550.

ClinVar aggregate classification (germline): Uncertain significance (0 of 4 stars; one submission).

Conditions:
ADCY3-related disorder. Also called: ADCY3-related condition.

Allele frequency attached by ClinVar (database versions not stated): gnomAD exomes below 0.00001; ExAC 0.00003; gnomAD 0.00005; TOPMed 0.00005; 1000 Genomes Project 30x 0.00016; 1000 Genomes Project 0.00020.
gnomAD v4.1: 12 of 1,614,098 alleles (0.00074%); highest among the groups gnomAD compares: African/African-American, 0.016%; no homozygotes.

Submission:

PreventionGenetics, part of Exact Sciences
Classification: Uncertain significance for ADCY3-related condition. Last evaluated: 2024-01-30. Review status: no assertion criteria provided. Collection method: clinical testing. Allele origin: germline.
Comment: The ADCY3 c.253G>A variant is predicted to result in the amino acid substitution p.Ala85Thr. To our knowledge, this variant has not been reported in the literature. This variant is reported in 0.025% of alleles in individuals of African descent in gnomAD. At this time, the clinical significance of this variant is uncertain due to the absence of conclusive functional and genetic evidence.